The following is an entry in ClinVar:

ClinVar aggregate classification (germline): Pathogenic/Likely pathogenic. Review status: criteria provided, multiple submitters, no conflicts (2 of 4 stars). 5 submissions from 5 submitters: Pathogenic (4); Likely pathogenic (1). Last evaluated 2026-01-06.

Conditions:
Hereditary cancer-predisposing syndrome. Also called: Neoplastic Syndromes, Hereditary; Tumor predisposition; Hereditary Cancer Syndrome; Hereditary neoplastic syndrome. Identifiers: Orphanet 140162, MedGen C0027672, MeSH D009386, MONDO:0015356.
Hereditary nonpolyposis colorectal neoplasms. Identifiers: MedGen C0009405, MeSH D003123.
Lynch syndrome 4 (LYNCH4). Also called: Colorectal cancer, hereditary nonpolyposis, type 4; Hereditary non-polyposis colorectal cancer, type 4. Identifiers: Orphanet 144, MedGen C1838333, MONDO:0013699, OMIM 614337. Disease mechanism: loss of function.

Allele frequency attached by ClinVar (database versions not stated): TOPMed below 0.00001.

Submissions (5):

Labcorp Genetics (formerly Invitae), Labcorp
Classification: Pathogenic for Hereditary nonpolyposis colorectal neoplasms. Last evaluated: 2026-01-06. Review status: criteria provided, single submitter. Criteria: Invitae Variant Classification Sherloc (09022015). Collection method: clinical testing. Allele origin: germline.
Comment: This sequence change creates a premature translational stop signal (p.Gln713*) in the PMS2 gene. It is expected to result in an absent or disrupted protein product. Loss-of-function variants in PMS2 are known to be pathogenic (PMID: 21376568, 24362816). The frequency data for this variant in the population databases (gnomAD) is considered unreliable due to the presence of homologous sequence, such as pseudogenes or paralogs, in the genome. This variant has not been reported in the literature in individuals affected with PMS2-related conditions. ClinVar contains an entry for this variant (Variation ID: 232650). For these reasons, this variant has been classified as Pathogenic.

Ambry Genetics
Classification: Pathogenic for Hereditary cancer-predisposing syndrome. Last evaluated: 2024-05-21. Review status: criteria provided, single submitter. Criteria: Ambry Variant Classification Scheme 2023. Collection method: clinical testing. Allele origin: germline.
Comment: The p.Q713* pathogenic mutation (also known as c.2137C>T), located in coding exon 12 of the PMS2 gene, results from a C to T substitution at nucleotide position 2137. This changes the amino acid from a glutamine to a stop codon within coding exon 12. This alteration is expected to result in loss of function by premature protein truncation or nonsense-mediated mRNA decay. As such, this alteration is interpreted as a disease-causing mutation.

Myriad Genetics, Inc.
Classification: Pathogenic for Lynch syndrome 4. Last evaluated: 2023-09-21. Review status: criteria provided, single submitter. Criteria: Myriad Autosomal Dominant, Autosomal Recessive and X-Linked Classification Criteria (2023). Collection method: clinical testing. Allele origin: unknown.
Comment: This variant is considered pathogenic. This variant creates a termination codon and is predicted to result in premature protein truncation.

Baylor Genetics
Classification: Likely pathogenic for Lynch syndrome 4. Last evaluated: 2023-02-26. Review status: criteria provided, single submitter. Criteria: ACMG Guidelines, 2015. Collection method: clinical testing. Allele origin: unknown.

GeneDx
Classification: Pathogenic. Last evaluated: 2019-04-23. Review status: criteria provided, single submitter. Criteria: GeneDx Variant Classification Process June 2021. Collection method: clinical testing. Allele origin: germline. Affected: yes.
Comment: Nonsense variant predicted to result in protein truncation or nonsense mediated decay in a gene for which loss-of-function is a known mechanism of disease; Truncating variants are considered pathogenic by a well-established clinical consortium and/or database; Has not been previously published as pathogenic or benign to our knowledge; No data available from control populations to assess the frequency of this variant

Literature cited by the submitters: PubMed 21376568 (cited by Labcorp Genetics (formerly Invitae), Labcorp); PubMed 24362816 (cited by Labcorp Genetics (formerly Invitae), Labcorp).

NM_000535.7(PMS2):c.2137C>T (p.Gln713Ter)

Gene: PMS2 (PMS1 homolog 2, mismatch repair system component; minus strand). Cytogenetic location: 7p22.1.
Variant type: single nucleotide variant.
Coding change: c.2137C>T on transcript NM_000535.7 (MANE Select); coding-DNA position 2137, C replaced by T.
Protein change: p.Gln713Ter; replaces glutamine 713 with a stop codon.
Molecular consequence: nonsense. On other transcripts: non-coding transcript variant (1).
Genome position (GRCh38, 1-based): chr7:5,982,861, G>A on the plus strand (C>T on the coding strand, the complement: PMS2 is on the minus strand). VCF-style: chr7-5982861-G-A. GRCh37 (hg19) VCF-style: chr7-6022492-G-A.
Other names: c.1732C>T, p.Gln578Ter (NM_001322003.2, NM_001322004.2, NM_001322005.2 and 1 more transcripts); c.1981C>T, p.Gln661Ter (NM_001322006.2); c.1819C>T, p.Gln607Ter (NM_001322007.2, NM_001322008.2); c.1576C>T, p.Gln526Ter (NM_001322010.2); c.1204C>T, p.Gln402Ter (NM_001322011.2, NM_001322012.2); c.1564C>T, p.Gln522Ter (NM_001322013.2); c.2137C>T, p.Gln713Ter (NM_001322014.2); c.1828C>T, p.Gln610Ter (NM_001322015.2); short protein forms Q713*, Q402*, Q526*, Q607*, Q610*, Q522*, Q578*, Q661*.
Identifiers: ClinVar variation 232650 (VCV000232650.17), dbSNP rs876659900, ClinGen allele CA10578654.